The following is an entry in ClinVar:

NM_176787.5(PIGN):c.2575del (p.Ser859fs)

Gene: PIGN (phosphatidylinositol glycan anchor biosynthesis class N; minus strand). Cytogenetic location: 18q21.33.
Variant type: Deletion.
Coding change: c.2575del on transcript NM_176787.5 (MANE Select); coding-DNA position 2575, one base deleted (A; older notation c.2575delA).
Protein change: p.Ser859fs; shifts the reading frame from serine 859.
Molecular consequence: frameshift variant.
Genome position (GRCh38, 1-based): chr18:62,082,674, T deleted on the plus strand (A on the coding strand, the reverse complement: PIGN is on the minus strand); the first of 5 consecutive T bases (chr18:62,082,674-62,082,678); deleting any one gives the same sequence. VCF-style (leftmost placement, unchanged base first): chr18-62082673-CT-C. GRCh37 (hg19) VCF-style: chr18-59749906-CT-C.
Other names: c.2575del, p.Ser859fs (NM_012327.6); short protein forms S859fs.
Identifiers: ClinVar variation 2744518 (VCV002744518.3), dbSNP rs1482906647, ClinGen allele CA630103562.

ClinVar aggregate classification (germline): Pathogenic (1 of 4 stars; one submission).

Conditions:
Multiple congenital anomalies-hypotonia-seizures syndrome 1 (MCAHS1). Also called: GLYCOSYLPHOSPHATIDYLINOSITOL BIOSYNTHESIS DEFECT 3; PIGN-CDG; Congenital disorder of glycosylation due to PIGN deficiency. Identifiers: Orphanet 280633, MedGen C3279775, MONDO:0013563, OMIM 614080.

Submission:

Labcorp Genetics (formerly Invitae), Labcorp
Classification: Pathogenic for Multiple congenital anomalies-hypotonia-seizures syndrome 1. Last evaluated: 2024-02-14. Review status: criteria provided, single submitter. Criteria: Invitae Variant Classification Sherloc (09022015). Collection method: clinical testing. Allele origin: germline.
Comment: This sequence change creates a premature translational stop signal (p.Ser859Alafs*38) in the PIGN gene. While this is not anticipated to result in nonsense mediated decay, it is expected to disrupt the last 73 amino acid(s) of the PIGN protein. The frequency data for this variant in the population databases is considered unreliable, as metrics indicate poor data quality at this position in the gnomAD database. This variant has not been reported in the literature in individuals affected with PIGN-related conditions. This variant disrupts a region of the PIGN protein in which other variant(s) (p.Ser893Arg) have been determined to be pathogenic (PMID: 35179230, 36322149; Invitae). This suggests that this is a clinically significant region of the protein, and that variants that disrupt it are likely to be disease-causing. For these reasons, this variant has been classified as Pathogenic.

Literature cited by the submitters: PubMed 35179230; PubMed 36322149.